The following is an entry in ClinVar:

ClinVar aggregate classification (germline): Uncertain significance. Review status: criteria provided, multiple submitters, no conflicts (2 of 4 stars). 5 submissions from 5 submitters: Uncertain significance (5). Last evaluated 2024-06-06.

Conditions:
Inborn genetic diseases. Identifiers: MedGen C0950123, MeSH D030342.

Allele frequency attached by ClinVar (database versions not stated): gnomAD 0.00010 and 0.00011; gnomAD exomes 0.00010 and 0.00020; ExAC 0.00011; TOPMed 0.00012; ESP Exome Variant Server 0.00038.
gnomAD v4.1: 315 of 1,613,816 alleles (0.02%); highest among the groups gnomAD compares: Non-Finnish European, 0.025%; no homozygotes.

Submissions (5):

Blueprint Genetics
Classification: Uncertain significance. Last evaluated: 2024-06-06. Review status: criteria provided, single submitter. Criteria: ACMG Guidelines, 2015. Collection method: clinical testing. Allele origin: germline.

CeGaT Center for Human Genetics Tuebingen
Classification: Uncertain significance. Last evaluated: 2023-07-01. Review status: criteria provided, single submitter. Criteria: CeGaT Center For Human Genetics Tuebingen Variant Classification Criteria Version 2. Collection method: clinical testing. Allele origin: germline. Affected: yes. Observed: 1 variant allele.

GeneDx
Classification: Uncertain significance. Last evaluated: 2023-06-10. Review status: criteria provided, single submitter. Criteria: GeneDx Variant Classification Process June 2021. Collection method: clinical testing. Allele origin: germline. Affected: yes.
Comment: In silico analysis supports that this missense variant has a deleterious effect on protein structure/function; Has not been previously published as pathogenic or benign to our knowledge

Labcorp Genetics (formerly Invitae), Labcorp
Classification: Uncertain significance. Last evaluated: 2022-08-23. Review status: criteria provided, single submitter. Criteria: Invitae Variant Classification Sherloc (09022015). Collection method: clinical testing. Allele origin: germline.
Comment: This sequence change replaces valine, which is neutral and non-polar, with phenylalanine, which is neutral and non-polar, at codon 142 of the PTPN23 protein (p.Val142Phe). This variant is present in population databases (rs147034860, gnomAD 0.02%). This variant has not been reported in the literature in individuals affected with PTPN23-related conditions. ClinVar contains an entry for this variant (Variation ID: 1348622). Algorithms developed to predict the effect of missense changes on protein structure and function are either unavailable or do not agree on the potential impact of this missense change (SIFT: "Deleterious"; PolyPhen-2: "Not Available"; Align-GVGD: "Class C0"). In summary, the available evidence is currently insufficient to determine the role of this variant in disease. Therefore, it has been classified as a Variant of Uncertain Significance.

Ambry Genetics
Classification: Uncertain significance for Inborn genetic diseases. Last evaluated: 2022-04-01. Review status: criteria provided, single submitter. Criteria: Ambry Variant Classification Scheme 2023. Collection method: clinical testing. Allele origin: germline.

NM_015466.4(PTPN23):c.424G>T (p.Val142Phe)

Gene: PTPN23 (protein tyrosine phosphatase non-receptor type 23; plus strand). Cytogenetic location: 3p21.31.
Variant type: single nucleotide variant.
Coding change: c.424G>T on transcript NM_015466.4 (MANE Select); coding-DNA position 424, G replaced by T.
Protein change: p.Val142Phe; replaces valine 142 with phenylalanine.
Molecular consequence: missense variant.
Genome position (GRCh38, 1-based): chr3:47,405,924, G>T. VCF-style: chr3-47405924-G-T. GRCh37 (hg19) VCF-style: chr3-47447414-G-T.
Other names: c.46G>T, p.Val16Phe (NM_001304482.2); c.424G>T (NM_015466.2); short protein forms V142F, V16F.
Identifiers: ClinVar variation 1348622 (VCV001348622.30), dbSNP rs147034860, ClinGen allele CA2365333.